The following is an entry in ClinVar:

ClinVar aggregate classification (germline): Uncertain significance (1 of 4 stars; one submission).

Submission:

GeneDx
Classification: Uncertain significance. Last evaluated: 2023-05-24. Review status: criteria provided, single submitter. Criteria: GeneDx Variant Classification Process June 2021. Collection method: clinical testing. Allele origin: germline. Affected: yes.
Comment: Frameshift variant predicted to result in protein truncation or nonsense mediated decay in a gene or region of a gene for which loss of function is not a well-established mechanism of disease; Not observed at significant frequency in large population cohorts (gnomAD); Has not been previously published as pathogenic or benign to our knowledge; Variants in candidate genes are classified as variants of uncertain significance in accordance with ACMG guidelines (Richards et al., 2015)

NM_033026.6(PCLO):c.2099del (p.Pro700fs)

Gene: PCLO (piccolo presynaptic cytomatrix protein; minus strand). Cytogenetic location: 7q21.11.
Variant type: Deletion.
Coding change: c.2099del on transcript NM_033026.6 (MANE Select); coding-DNA position 2099, one base deleted (C; older notation c.2099delC).
Protein change: p.Pro700fs; shifts the reading frame from proline 700.
Molecular consequence: frameshift variant.
Genome position (GRCh38, 1-based): chr7:83,135,451, G deleted on the plus strand (C on the coding strand, the reverse complement: PCLO is on the minus strand); the first of 2 consecutive G bases (chr7:83,135,451-83,135,452); deleting either gives the same sequence. VCF-style (leftmost placement, unchanged base first): chr7-83135450-AG-A. GRCh37 (hg19) VCF-style: chr7-82764766-AG-A.
Other names: c.2099del, p.Pro700fs (NM_014510.3); short protein forms P700fs.
Identifiers: ClinVar variation 3903256 (VCV003903256.1).